The following is an entry in ClinVar:

ClinVar aggregate classification (germline): Pathogenic. Review status: criteria provided, multiple submitters, no conflicts (2 of 4 stars). 2 submissions from 2 submitters: Pathogenic (2). Last evaluated 2024-02-23.

Conditions:
Rare genetic deafness. Identifiers: Orphanet 96210, MedGen C5680250.

Submissions (2):

Labcorp Genetics (formerly Invitae), Labcorp
Classification: Pathogenic. Last evaluated: 2024-02-23. Review status: criteria provided, single submitter. Criteria: Invitae Variant Classification Sherloc (09022015). Collection method: clinical testing. Allele origin: germline.
Comment: This sequence change creates a premature translational stop signal (p.Lys725Argfs*4) in the MYO7A gene. It is expected to result in an absent or disrupted protein product. Loss-of-function variants in MYO7A are known to be pathogenic (PMID: 8900236, 25404053). This variant is present in population databases (rs397516294, gnomAD 0.007%). This premature translational stop signal has been observed in individual(s) with Usher syndrome (PMID: 9718356, 16963483, 33576163). This variant is also known as 724delC or 2171delC, K725fs. ClinVar contains an entry for this variant (Variation ID: 43174). For these reasons, this variant has been classified as Pathogenic.

Laboratory for Molecular Medicine, Mass General Brigham Personalized Medicine
Classification: Pathogenic for Rare genetic deafness. Last evaluated: 2010-05-19. Review status: criteria provided, single submitter. Criteria: LMM Criteria. Collection method: clinical testing. Allele origin: germline. Observed: 1 variant allele.

Literature cited by the submitters: PubMed 8900236 (cited by Labcorp Genetics (formerly Invitae), Labcorp); PubMed 25404053 (cited by Labcorp Genetics (formerly Invitae), Labcorp); PubMed 9718356 (cited by Labcorp Genetics (formerly Invitae), Labcorp); PubMed 16963483 (cited by Labcorp Genetics (formerly Invitae), Labcorp and Laboratory for Molecular Medicine, Mass General Brigham Personalized Medicine); PubMed 33576163 (cited by Labcorp Genetics (formerly Invitae), Labcorp).

NM_000260.4(MYO7A):c.2172del (p.Lys725fs)

Gene: MYO7A (myosin VIIA; plus strand). Cytogenetic location: 11q13.5.
Variant type: Deletion.
Coding change: c.2172del on transcript NM_000260.4 (MANE Select); coding-DNA position 2172, one base deleted (C; older notation c.2172delC).
Protein change: p.Lys725fs; shifts the reading frame from lysine 725.
Molecular consequence: frameshift variant.
Genome position (GRCh38, 1-based): chr11:77,175,449, C deleted; the last of 2 consecutive C bases (chr11:77,175,448-77,175,449); deleting either gives the same sequence. VCF-style (leftmost placement, unchanged base first): chr11-77175447-AC-A. GRCh37 (hg19) VCF-style: chr11-76886493-AC-A.
Other names: c.2172del, p.Lys725fs (NM_001127180.2); c.2139del, p.Lys714fs (NM_001369365.1); short protein forms K714fs, K725fs.
Identifiers: ClinVar variation 43174 (VCV000043174.11), dbSNP rs397516294, ClinGen allele CA278644.
Genomic context (GRCh38, chr11:77,175,447, plus strand): 5'-ACTTGCCAGCGCATGGCTGAGGCTGTGCTGGGCACCCACGATGACTGGCAGATAGGCAAA[AC>A]CAAGATCTTTCTGAAGGTGAGCACAGATGCCTTCCCTGGGCTGCCCTGGGGGGGCTGTAA-3'